The following is an entry in ClinVar:

NM_000539.3(RHO):c.553T>C (p.Cys185Arg)

Gene: RHO (rhodopsin; plus strand). Cytogenetic location: 3q22.1.
Variant type: single nucleotide variant.
Coding change: c.553T>C on transcript NM_000539.3 (MANE Select); coding-DNA position 553, T replaced by C.
Protein change: p.Cys185Arg; replaces cysteine 185 with arginine.
Molecular consequence: missense variant.
Genome position (GRCh38, 1-based): chr3:129,532,273, T>C. VCF-style: chr3-129532273-T-C. GRCh37 (hg19) VCF-style: chr3-129251116-T-C.
Other names: short protein forms C185R.
Identifiers: ClinVar variation 984784 (VCV000984784.13), dbSNP rs1236550448, ClinGen allele CA354499200.

ClinVar aggregate classification (germline): Pathogenic/Likely pathogenic. Review status: criteria provided, multiple submitters, no conflicts (2 of 4 stars). 5 submissions from 5 submitters: Pathogenic (2); Likely pathogenic (3). Last evaluated 2026-01-30.

Conditions:
RHO-related disorder. Also called: RHO-related condition.
Retinal disorder. Also called: Retinopathy; Retinopathies; Retinal Diseases; Retinal disorders. Identifiers: MedGen C0035309, MONDO:0005283, HP:0000488.
Retinitis pigmentosa 4 (RP4). Also called: RETINITIS PIGMENTOSA, RHODOPSIN-RELATED. Identifiers: Orphanet 791, MedGen C3151001, MONDO:0013395, OMIM 613731.

Allele frequency attached by ClinVar (database versions not stated): gnomAD exomes below 0.00001; TOPMed 0.00003.
gnomAD v4.1: 4 of 1,614,094 alleles (0.00025%); highest among the groups gnomAD compares: Non-Finnish European, 0.00034%; no homozygotes.

Submissions (5):

Genetics Laboratory, Great Ormond Street Hospital NHS Foundation Trust, North Thames Genomic Laboratory Hub
Classification: Likely pathogenic for Retinal disorders. Last evaluated: 2026-01-30. Review status: criteria provided, single submitter. Criteria: ACGS Best Practice Guidelines for Variant Classification in Rare Disease 2024 v1.2. Collection method: clinical testing. Allele origin: germline. Affected: yes.
Comment: PS4_moderate, PM2_moderate, PP3_supporting, PS3_strong

Labcorp Genetics (formerly Invitae), Labcorp
Classification: Pathogenic. Last evaluated: 2025-03-10. Review status: criteria provided, single submitter. Criteria: Invitae Variant Classification Sherloc (09022015). Collection method: clinical testing. Allele origin: germline.
Comment: This sequence change replaces cysteine, which is neutral and slightly polar, with arginine, which is basic and polar, at codon 185 of the RHO protein (p.Cys185Arg). This variant is not present in population databases (gnomAD no frequency). This missense change has been observed in individuals with autosomal dominant retinitis pigmentosa (PMID: 11139241, 33576794; internal data). ClinVar contains an entry for this variant (Variation ID: 984784). Invitae Evidence Modeling of protein sequence and biophysical properties (such as structural, functional, and spatial information, amino acid conservation, physicochemical variation, residue mobility, and thermodynamic stability) indicates that this missense variant is expected to disrupt RHO protein function with a positive predictive value of 95%. Experimental studies have shown that this missense change affects RHO function (PMID: 22956602, 30977563). For these reasons, this variant has been classified as Pathogenic.

Blueprint Genetics
Classification: Pathogenic for RHO-related disorders. Last evaluated: 2024-05-22. Review status: criteria provided, single submitter. Criteria: ACMG Guidelines, 2015. Collection method: clinical testing. Allele origin: germline. Affected: yes. Observed: 5 variant alleles.

Genetics and Molecular Pathology, SA Pathology
Classification: Likely pathogenic for Retinitis pigmentosa 4. Last evaluated: 2021-11-11. Review status: criteria provided, single submitter. Criteria: ACMG Guidelines, 2015. Collection method: clinical testing. Allele origin: germline. Affected: yes.

Centre for Genomic Medicine, Manchester, Central Manchester University Hospitals
Classification: Likely pathogenic for Retinitis pigmentosa 4. Last evaluated: 2020-09-01. Review status: criteria provided, single submitter. Criteria: ACMG Guidelines, 2015. Collection method: clinical testing. Allele origin: germline. Affected: yes. Observed: 7 heterozygotes.

Literature cited by the submitters: PubMed 11139241 (cited by Labcorp Genetics (formerly Invitae), Labcorp); PubMed 33576794 (cited by Labcorp Genetics (formerly Invitae), Labcorp); PubMed 22956602 (cited by Labcorp Genetics (formerly Invitae), Labcorp); PubMed 30977563 (cited by Labcorp Genetics (formerly Invitae), Labcorp).